The following is an entry in ClinVar:

ClinVar aggregate classification (germline): Benign. Review status: criteria provided, multiple submitters, no conflicts (2 of 4 stars). 5 submissions from 5 submitters: Benign (5). Last evaluated 2026-02-03.

Conditions:
Mucopolysaccharidosis type 1. Also called: Mucopolysaccharidosis Type I; IDUA deficiency; MPS I. Identifiers: Orphanet 579, MedGen C0023786, MONDO:0001586.

Submissions (5):

Labcorp Genetics (formerly Invitae), Labcorp
Classification: Benign for Mucopolysaccharidosis type 1. Last evaluated: 2026-02-03. Review status: criteria provided, single submitter. Criteria: Invitae Variant Classification Sherloc (09022015). Collection method: clinical testing. Allele origin: germline.

Women's Health and Genetics/Laboratory Corporation of America, LabCorp
Classification: Benign. Last evaluated: 2023-02-19. Review status: criteria provided, single submitter. Criteria: LabCorp Variant Classification Summary - May 2015. Collection method: clinical testing. Allele origin: germline.
Comment: Variant summary: IDUA c.1190-10delC alters a non-conserved nucleotide located close to a canonical splice site and therefore could affect mRNA splicing, leading to a significantly altered protein sequence. 4/4 computational tools predict no significant impact on normal splicing. However, these predictions have yet to be confirmed by functional studies. The variant allele was found at a frequency of 0.0055 in 73188 control chromosomes in the gnomAD database, including 6 homozygotes. The observed variant frequency is approximately 2 fold of the estimated maximal expected allele frequency for a pathogenic variant in IDUA causing Mucopolysaccharidosis Type 1 phenotype (0.0027), strongly suggesting that the variant is benign. To our knowledge, no occurrence of c.1190-10delC in individuals affected with Mucopolysaccharidosis Type 1 and no experimental evidence demonstrating its impact on protein function have been reported. Three clinical diagnostic laboratories have submitted clinical-significance assessments for this variant to ClinVar after 2014 and all classified the variant as benign. Based on the evidence outlined above, the variant was classified as benign.

Mayo Clinic Laboratories, Mayo Clinic
Classification: Benign. Last evaluated: 2021-06-21. Review status: criteria provided, single submitter. Criteria: ACMG Guidelines, 2015. Collection method: clinical testing. Allele origin: germline. Observed: 11 variant alleles.

GeneDx
Classification: Benign. Last evaluated: 2019-10-28. Review status: criteria provided, single submitter. Criteria: GeneDx Variant Classification Process June 2021. Collection method: clinical testing. Allele origin: germline. Affected: yes.

Eurofins Ntd Llc (ga)
Classification: Benign. Last evaluated: 2017-06-29. Review status: criteria provided, single submitter. Criteria: EGL Classification Definitions 2015. Collection method: clinical testing. Allele origin: germline. Observed: 5 variant alleles, 4 heterozygotes, 1 homozygote.

NM_000203.5(IDUA):c.1190-10del

Gene: IDUA (alpha-L-iduronidase; plus strand). Cytogenetic location: 4p16.3.
Variant type: Deletion.
Coding change: c.1190-10del on transcript NM_000203.5 (MANE Select); 10 bases into the intron before coding-DNA position 1190, one base deleted (C; older notation c.1190-10delC).
Molecular consequence: intron variant.
Genome position (GRCh38, 1-based): chr4:1,002,722, C deleted; the last of 9 consecutive C bases (chr4:1,002,714-1,002,722); deleting any one gives the same sequence. VCF-style (leftmost placement, unchanged base first): chr4-1002713-GC-G. GRCh37 (hg19) VCF-style: chr4-996501-GC-G.
Other names: p.?; c.794-10del (NM_001363576.1); c.1190-10delC (NM_000203.4).
Identifiers: ClinVar variation 496833 (VCV000496833.17), dbSNP rs150523349, ClinGen allele CA2802217.
Genomic context (GRCh38, chr4:1,002,713, plus strand): 5'-GTGGTGGGAGGCCCGGCCCTGGGTCGGGGGGCGGCTGGGCAACGACCCCACGCGGCGACG[GC>G]CCCCCCCCGCCCCGCAGATGAGGAGCAGCTCTGGGCCGAAGTGTCGCAGGCCGGGACCGT-3'